The following is an entry in ClinVar:

NM_022552.5(DNMT3A):c.710A>G (p.Gln237Arg)

Gene: DNMT3A (DNA methyltransferase 3 alpha; minus strand). Cytogenetic location: 2p23.3.
Variant type: single nucleotide variant.
Coding change: c.710A>G on transcript NM_022552.5 (MANE Select); coding-DNA position 710, A replaced by G.
Protein change: p.Gln237Arg; replaces glutamine 237 with arginine.
Molecular consequence: missense variant. On other transcripts: non-coding transcript variant (1).
Genome position (GRCh38, 1-based): chr2:25,248,182, T>C on the plus strand (A>G on the coding strand, the complement: DNMT3A is on the minus strand). VCF-style: chr2-25248182-T-C. GRCh37 (hg19) VCF-style: chr2-25471051-T-C.
Other names: c.254A>G, p.Gln85Arg (NM_001320893.1); c.41A>G, p.Gln14Arg (NM_001375819.1); c.143A>G, p.Gln48Arg (NM_153759.3); c.710A>G, p.Gln237Arg (NM_175629.2); short protein forms Q48R, Q85R, Q14R, Q237R.
Identifiers: ClinVar variation 4617741 (VCV004617741.1).
Genomic context (GRCh38, chr2:25,248,182, plus strand): 5'-GTGGGGGATGCGGGGTCAGTGGGCTGCTGCACAGCAGGAGGGCTGGCCTCCTCCACCTTC[T>C]GAGACTCCCCGGGCCCCTGGTTTTCTTCCACAGCATTCATTCCTGCAATGACCTTGGCTT-3'
Protein context (NP_072046.2, residues 227-247): VEENQGPGES[Gln237Arg]KVEEASPPAV

ClinVar aggregate classification (germline): Uncertain significance (1 of 4 stars; one submission).

Conditions:
Inborn genetic diseases. Identifiers: MedGen C0950123, MeSH D030342.

Submission:

Ambry Genetics
Classification: Uncertain significance for Inborn genetic diseases. Last evaluated: 2025-09-23. Review status: criteria provided, single submitter. Criteria: Ambry Variant Classification Scheme 2023. Collection method: clinical testing. Allele origin: germline.
Comment: The p.Q237R variant (also known as c.710A>G), located in coding exon 6 of the DNMT3A gene, results from an A to G substitution at nucleotide position 710. The glutamine at codon 237 is replaced by arginine, an amino acid with highly similar properties. This amino acid position is conserved. In addition, the in silico prediction for this alteration is inconclusive. Based on the available evidence, the clinical significance of this variant remains unclear.